The following is an entry in ClinVar:

ClinVar aggregate classification (germline): Uncertain significance (1 of 4 stars; one submission).

Allele frequency attached by ClinVar (database versions not stated): 1000 Genomes Project 30x 0.00031; 1000 Genomes Project 0.00040.
gnomAD v4.1: 12 of 1,614,186 alleles (0.00074%); highest among the groups gnomAD compares: African/African-American, 0.0053%; no homozygotes.

Submission:

Labcorp Genetics (formerly Invitae), Labcorp
Classification: Uncertain significance. Last evaluated: 2025-03-25. Review status: criteria provided, single submitter. Criteria: Invitae Variant Classification Sherloc (09022015). Collection method: clinical testing. Allele origin: germline.
Comment: This sequence change replaces isoleucine, which is neutral and non-polar, with valine, which is neutral and non-polar, at codon 612 of the DNM1L protein (p.Ile612Val). This variant is present in population databases (rs138133550, gnomAD 0.01%). This variant has not been reported in the literature in individuals affected with DNM1L-related conditions. ClinVar contains an entry for this variant (Variation ID: 1983284). An algorithm developed to predict the effect of missense changes on protein structure and function outputs the following: PolyPhen-2: "Benign". The valine amino acid residue is found in multiple mammalian species, which suggests that this missense change does not adversely affect protein function. In summary, the available evidence is currently insufficient to determine the role of this variant in disease. Therefore, it has been classified as a Variant of Uncertain Significance.

NM_012062.5(DNM1L):c.1834A>G (p.Ile612Val)

Gene: DNM1L (dynamin 1 like; plus strand). Cytogenetic location: 12p11.21.
Variant type: single nucleotide variant.
Coding change: c.1834A>G on transcript NM_012062.5 (MANE Select); coding-DNA position 1834, A replaced by G.
Protein change: p.Ile612Val; replaces isoleucine 612 with valine.
Molecular consequence: missense variant.
Genome position (GRCh38, 1-based): chr12:32,740,190, A>G. VCF-style: chr12-32740190-A-G. GRCh37 (hg19) VCF-style: chr12-32893124-A-G.
Other names: c.1801A>G, p.Ile601Val (NM_001278463.2); c.1873A>G, p.Ile625Val (NM_001278464.2); c.1840A>G, p.Ile614Val (NM_001278465.2); c.1225A>G, p.Ile409Val (NM_001278466.2); c.1762A>G, p.Ile588Val (NM_001330380.2); c.1723A>G, p.Ile575Val (NM_005690.5); c.1756A>G, p.Ile586Val (NM_012063.4); short protein forms I575V, I409V, I614V, I586V, I601V, I588V, I612V, I625V.
Identifiers: ClinVar variation 1983284 (VCV001983284.4), dbSNP rs138133550, ClinGen allele CA6507700.